The following is an entry in ClinVar:

NM_000038.6(APC):c.7089A>G (p.Lys2363=)

Gene: APC (APC regulator of Wnt signaling pathway; plus strand). Cytogenetic location: 5q22.2.
Variant type: single nucleotide variant.
Coding change: c.7089A>G on transcript NM_000038.6 (MANE Select); coding-DNA position 7089, A replaced by G.
Protein change: p.Lys2363=; no amino-acid change (lysine 2363 retained).
Molecular consequence: synonymous variant.
Genome position (GRCh38, 1-based): chr5:112,842,683, A>G. VCF-style: chr5-112842683-A-G. GRCh37 (hg19) VCF-style: chr5-112178380-A-G.
Other names: c.7089A>G, p.Lys2363= (NM_001127510.3, NM_001354895.2); c.7035A>G, p.Lys2345= (NM_001127511.3); c.7143A>G, p.Lys2381= (NM_001354896.2); c.7119A>G, p.Lys2373= (NM_001354897.2); c.7014A>G, p.Lys2338= (NM_001354898.2); c.7005A>G, p.Lys2335= (NM_001354899.2); c.6966A>G, p.Lys2322= (NM_001354900.2); c.6912A>G, p.Lys2304= (NM_001354901.2); and 5 more.
Identifiers: ClinVar variation 221147 (VCV000221147.29), dbSNP rs864622761, ClinGen allele CA348914.

ClinVar aggregate classification (germline): Benign/Likely benign. Review status: criteria provided, multiple submitters, no conflicts (2 of 4 stars). 9 submissions from 9 submitters: Benign (1); Likely benign (8). Last evaluated 2025-10-01.

Conditions:
Classic or attenuated familial adenomatous polyposis. Identifiers: MedGen CN372698, MONDO:0021057.
Hereditary cancer-predisposing syndrome. Also called: Neoplastic Syndromes, Hereditary; Hereditary Cancer Syndrome; Tumor predisposition; Hereditary neoplastic syndrome. Identifiers: Orphanet 140162, MedGen C0027672, MeSH D009386, MONDO:0015356.
Familial adenomatous polyposis 1 (FAP1). Also called: POLYPOSIS, ADENOMATOUS INTESTINAL; FAMILIAL ADENOMATOUS POLYPOSIS 1, ATTENUATED. Identifiers: MedGen C2713442, MONDO:0021056, OMIM 175100. Disease mechanism: loss of function.

Allele frequency attached by ClinVar (database versions not stated): gnomAD exomes below 0.00001 and 0.00001; TOPMed below 0.00001.
gnomAD v4.1: 3 of 1,613,470 alleles (0.00019%); highest among the groups gnomAD compares: Admixed American, 0.005%; no homozygotes.

Submissions (9):

CeGaT Center for Human Genetics Tuebingen
Classification: Likely benign. Last evaluated: 2025-10-01. Review status: criteria provided, single submitter. Criteria: CeGaT Center For Human Genetics Tuebingen Variant Classification Criteria Version 2. Collection method: clinical testing. Allele origin: germline. Affected: yes. Observed: 1 variant allele.
Comment: APC: BP4, BP7

Labcorp Genetics (formerly Invitae), Labcorp
Classification: Likely benign for Familial adenomatous polyposis 1. Last evaluated: 2025-08-29. Review status: criteria provided, single submitter. Criteria: Invitae Variant Classification Sherloc (09022015). Collection method: clinical testing. Allele origin: germline.

All of Us Research Program, National Institutes of Health
Classification: Likely benign for Classic or attenuated familial adenomatous polyposis. Last evaluated: 2024-05-17. Review status: criteria provided, single submitter. Criteria: ACMG Guidelines, 2015. Collection method: clinical testing. Allele origin: germline. Inheritance: Autosomal dominant inheritance. Observed: 1 variant allele, 1 heterozygote.
Comment: This study involves interpretation of variants in research participants for the purpose of population health screening. Participant phenotype was not available at the time of variant classification. Additional details can be found in publication PMID: 35346344, PMCID: PMC8962531

Myriad Genetics, Inc.
Classification: Benign for Familial adenomatous polyposis 1. Last evaluated: 2024-04-08. Review status: criteria provided, single submitter. Criteria: Myriad Autosomal Dominant, Autosomal Recessive and X-Linked Classification Criteria (2023). Collection method: clinical testing. Allele origin: unknown.
Comment: This variant is considered benign. This variant is a silent/synonymous amino acid change and it is not expected to impact splicing.

Blueprint Genetics
Classification: Likely benign. Last evaluated: 2022-03-31. Review status: criteria provided, single submitter. Criteria: ACMG Guidelines, 2015. Collection method: clinical testing. Allele origin: germline.

Sema4
Classification: Likely benign for Hereditary cancer-predisposing syndrome. Last evaluated: 2021-01-28. Review status: criteria provided, single submitter. Criteria: Sema4 Curation Guidelines. Collection method: curation. Allele origin: germline.

Mendelics
Classification: Likely benign for Familial adenomatous polyposis 1. Last evaluated: 2019-05-28. Review status: criteria provided, single submitter. Criteria: Mendelics Assertion Criteria 2017. Collection method: clinical testing. Allele origin: unknown.

Ambry Genetics
Classification: Likely benign for Hereditary cancer-predisposing syndrome. Last evaluated: 2017-08-01. Review status: criteria provided, single submitter. Criteria: Ambry Variant Classification Scheme 2023. Collection method: clinical testing. Allele origin: germline.

Color Diagnostics, LLC DBA Color Health
Classification: Likely benign for Hereditary cancer-predisposing syndrome. Last evaluated: 2017-05-01. Review status: criteria provided, single submitter. Criteria: ACMG Guidelines, 2015. Collection method: clinical testing. Allele origin: germline.